The following is an entry in ClinVar:

NM_000612.6(IGF2):c.158-20_158-17del

Genes: IGF2 (insulin like growth factor 2; minus strand), INS-IGF2 (INS-IGF2 readthrough; minus strand). Cytogenetic location: 11p15.5.
Variant type: Deletion.
Coding change: c.158-20_158-17del on transcript NM_000612.6 (MANE Select); 20 bases into the intron before coding-DNA position 158 through 17 bases into the intron before coding-DNA position 158, 4 bases deleted (CTGT; older notation c.158-20_158-17delCTGT).
Molecular consequence: intron variant.
Genome position (GRCh38, 1-based): chr11:2,133,682-2,133,685, ACAG deleted on the plus strand (CTGT on the coding strand, the reverse complement: IGF2 is on the minus strand); deleting any 4 consecutive bases within chr11:2,133,682-2,133,686 gives the same sequence; the c. name uses the placement nearest the transcript's 3' end. VCF-style (leftmost placement, unchanged base first): chr11-2133681-CACAG-C. GRCh37 (hg19) VCF-style: chr11-2154911-CACAG-C.
Other names: c.158-20_158-17del (NM_001007139.6, NM_001291862.3, NM_001291861.3); c.326-20_326-17del (NM_001127598.3).
Identifiers: ClinVar variation 2107814 (VCV002107814.4), dbSNP rs1286600524, ClinGen allele CA674532803.

ClinVar aggregate classification (germline): Uncertain significance (1 of 4 stars; one submission).

Submission:

Labcorp Genetics (formerly Invitae), Labcorp
Classification: Uncertain significance. Last evaluated: 2022-10-04. Review status: criteria provided, single submitter. Criteria: Invitae Variant Classification Sherloc (09022015). Collection method: clinical testing. Allele origin: germline.
Comment: This sequence change falls in intron 2 of the IGF2 gene. It does not directly change the encoded amino acid sequence of the IGF2 protein. This variant is not present in population databases (gnomAD no frequency). This variant has not been reported in the literature in individuals affected with IGF2-related conditions. Algorithms developed to predict the effect of sequence changes on RNA splicing suggest that this variant may create or strengthen a splice site. In summary, the available evidence is currently insufficient to determine the role of this variant in disease. Therefore, it has been classified as a Variant of Uncertain Significance.